The following is an entry in ClinVar:

ClinVar aggregate classification (germline): Conflicting classifications of pathogenicity. Review status: criteria provided, conflicting classifications (1 of 4 stars). 3 submissions from 3 submitters: Uncertain significance (1); Likely benign (2). Last evaluated 2024-09-15.

Conditions:
Hypokalemic periodic paralysis, type 1. Also called: Hypokalemic Periodic Paralysis Type 1 (AD); HypoPP. Identifiers: Orphanet 681, MedGen C3714580, MONDO:0042979, OMIM 170400.
Malignant hyperthermia, susceptibility to, 5 (MHS5). Also called: CACNA1S-Related Malignant Hyperthermia Susceptibility. Identifiers: Orphanet 423, MedGen C1866077, MONDO:0011163, OMIM 601887.

Allele frequency attached by ClinVar (database versions not stated): gnomAD exomes below 0.00001 and 0.00001; TOPMed 0.00001.
gnomAD v4.1: 7 of 1,614,106 alleles (0.00043%); highest among the groups gnomAD compares: Non-Finnish European, 0.00059%; no homozygotes.

Submissions (3):

Blueprint Genetics
Classification: Uncertain significance. Last evaluated: 2024-09-15. Review status: criteria provided, single submitter. Criteria: ACMG Guidelines, 2015. Collection method: clinical testing. Allele origin: germline.

All of Us Research Program, National Institutes of Health
Classification: Likely benign for Malignant hyperthermia, susceptibility to, 5. Last evaluated: 2023-12-13. Review status: criteria provided, single submitter. Criteria: ACMG Guidelines, 2015. Collection method: clinical testing. Allele origin: germline. Inheritance: Autosomal dominant inheritance. Observed: 1 variant allele, 1 heterozygote.
Comment: This study involves interpretation of variants in research participants for the purpose of population health screening. Participant phenotype was not available at the time of variant classification. Additional details can be found in publication PMID: 35346344, PMCID: PMC8962531

Labcorp Genetics (formerly Invitae), Labcorp
Classification: Likely benign for Hypokalemic periodic paralysis, type 1; Malignant hyperthermia, susceptibility to, 5. Last evaluated: 2023-08-27. Review status: criteria provided, single submitter. Criteria: Invitae Variant Classification Sherloc (09022015). Collection method: clinical testing. Allele origin: germline.

NM_000069.3(CACNA1S):c.1830A>G (p.Val610=)

Gene: CACNA1S (calcium voltage-gated channel subunit alpha1 S; minus strand). Cytogenetic location: 1q32.1.
Variant type: single nucleotide variant.
Coding change: c.1830A>G on transcript NM_000069.3 (MANE Select); coding-DNA position 1830, A replaced by G.
Protein change: p.Val610=; no amino-acid change (valine 610 retained).
Molecular consequence: synonymous variant.
Genome position (GRCh38, 1-based): chr1:201,075,613, T>C on the plus strand (A>G on the coding strand, the complement: CACNA1S is on the minus strand). VCF-style: chr1-201075613-T-C. GRCh37 (hg19) VCF-style: chr1-201044741-T-C.
Identifiers: ClinVar variation 1128572 (VCV001128572.11), dbSNP rs1479771505, ClinGen allele CA422689107.